The following is an entry in ClinVar:

NM_006017.3(PROM1):c.1154T>C (p.Val385Ala)

Gene: PROM1 (prominin 1; minus strand). Cytogenetic location: 4p15.32.
Variant type: single nucleotide variant.
Coding change: c.1154T>C on transcript NM_006017.3 (MANE Select); coding-DNA position 1154, T replaced by C.
Protein change: p.Val385Ala; replaces valine 385 with alanine.
Molecular consequence: missense variant.
Genome position (GRCh38, 1-based): chr4:16,009,096, A>G on the plus strand (T>C on the coding strand, the complement: PROM1 is on the minus strand). VCF-style: chr4-16009096-A-G. GRCh37 (hg19) VCF-style: chr4-16010719-A-G.
Other names: c.1127T>C, p.Val376Ala (NM_001145847.2, NM_001145848.2, NM_001145851.2 and 4 more transcripts); c.1154T>C, p.Val385Ala (NM_001145849.2, NM_001145850.2); short protein forms V376A, V385A.
Identifiers: ClinVar variation 2772840 (VCV002772840.3), dbSNP rs1032932415, ClinGen allele CA92596871.

ClinVar aggregate classification (germline): Uncertain significance (1 of 4 stars; one submission).

Allele frequency attached by ClinVar (database versions not stated): TOPMed 0.00002.

Submission:

Labcorp Genetics (formerly Invitae), Labcorp
Classification: Uncertain significance. Last evaluated: 2023-10-29. Review status: criteria provided, single submitter. Criteria: Invitae Variant Classification Sherloc (09022015). Collection method: clinical testing. Allele origin: germline.
Comment: This sequence change replaces valine, which is neutral and non-polar, with alanine, which is neutral and non-polar, at codon 385 of the PROM1 protein (p.Val385Ala). This variant is not present in population databases (gnomAD no frequency). This variant has not been reported in the literature in individuals affected with PROM1-related conditions. Advanced modeling of protein sequence and biophysical properties (such as structural, functional, and spatial information, amino acid conservation, physicochemical variation, residue mobility, and thermodynamic stability) performed at Invitae indicates that this missense variant is not expected to disrupt PROM1 protein function with a negative predictive value of 80%. In summary, the available evidence is currently insufficient to determine the role of this variant in disease. Therefore, it has been classified as a Variant of Uncertain Significance.